The following is an entry in ClinVar:

ClinVar aggregate classification (germline): Uncertain significance (1 of 4 stars; one submission).

Conditions:
Dilated cardiomyopathy 1DD (CMD1DD). Identifiers: Orphanet 154, MedGen C2750995, MONDO:0013168, OMIM 613172.

Submission:

Labcorp Genetics (formerly Invitae), Labcorp
Classification: Uncertain significance for Dilated cardiomyopathy 1DD. Last evaluated: 2022-03-19. Review status: criteria provided, single submitter. Criteria: Invitae Variant Classification Sherloc (09022015). Collection method: clinical testing. Allele origin: germline.
Comment: In summary, the available evidence is currently insufficient to determine the role of this variant in disease. Therefore, it has been classified as a Variant of Uncertain Significance. Advanced modeling of protein sequence and biophysical properties (such as structural, functional, and spatial information, amino acid conservation, physicochemical variation, residue mobility, and thermodynamic stability) performed at Invitae indicates that this missense variant is not expected to disrupt RBM20 protein function. This variant has not been reported in the literature in individuals affected with RBM20-related conditions. This variant is not present in population databases (gnomAD no frequency). This sequence change replaces proline, which is neutral and non-polar, with serine, which is neutral and polar, at codon 331 of the RBM20 protein (p.Pro331Ser).

NM_001134363.3(RBM20):c.991C>T (p.Pro331Ser)

Gene: RBM20 (RNA binding motif protein 20; plus strand). Cytogenetic location: 10q25.2.
Variant type: single nucleotide variant.
Coding change: c.991C>T on transcript NM_001134363.3 (MANE Select); coding-DNA position 991, C replaced by T.
Protein change: p.Pro331Ser; replaces proline 331 with serine.
Molecular consequence: missense variant.
Genome position (GRCh38, 1-based): chr10:110,781,600, C>T. VCF-style: chr10-110781600-C-T. GRCh37 (hg19) VCF-style: chr10-112541358-C-T.
Other names: short protein forms P331S.
Identifiers: ClinVar variation 2114636 (VCV002114636.4), dbSNP rs2493412777, ClinGen allele CA378385178.